The following is an entry in ClinVar:

ClinVar aggregate classification (germline): Uncertain significance. Review status: criteria provided, multiple submitters, no conflicts (2 of 4 stars). 4 submissions from 4 submitters: Uncertain significance (4). Last evaluated 2026-06-24.

Conditions:
Cardiovascular phenotype. Identifiers: MedGen CN230736.
Catecholaminergic polymorphic ventricular tachycardia (CVPT). Also called: Catecholamine-induced polymorphic ventricular tachycardia. Identifiers: Orphanet 3286, MedGen C5574922, MONDO:0017990.
Cardiomyopathy (CMYO). Also called: Cardiomyopathies. Identifiers: Orphanet 167848, MedGen C0878544, MONDO:0004994, HP:0001638. Inheritance: Various modes of inheritance.
Catecholaminergic polymorphic ventricular tachycardia 1. Also called: RYR2-Related Catecholaminergic Polymorphic Ventricular Tachycardia; VENTRICULAR TACHYCARDIA, CATECHOLAMINERGIC POLYMORPHIC, 1, WITH OR WITHOUT ATRIAL DYSFUNCTION AND/OR DILATED CARDIOMYOPATHY; VENTRICULAR TACHYCARDIA, STRESS-INDUCED POLYMORPHIC 1. Identifiers: Orphanet 3286, MedGen C1631597, MONDO:0011484, OMIM 604772.

gnomAD v4.1: 2 of 1,614,036 alleles (0.00012%); highest among the groups gnomAD compares: Non-Finnish European, 0.00017%; no homozygotes.

Submissions (4):

Ambry Genetics
Classification: Uncertain significance for Cardiovascular phenotype. Last evaluated: 2026-06-24. Review status: criteria provided, single submitter. Criteria: Ambry Variant Classification Scheme 2023. Collection method: clinical testing. Allele origin: germline.
Comment: The p.V1664D variant (also known as c.4991T>A), located in coding exon 37 of the RYR2 gene, results from a T to A substitution at nucleotide position 4991. The valine at codon 1664 is replaced by aspartic acid, an amino acid with highly dissimilar properties. This amino acid position is well conserved in available vertebrate species. In addition, this alteration is predicted to be deleterious by in silico analysis. Based on the available evidence, the clinical significance of this variant remains unclear.

Color Diagnostics, LLC DBA Color Health
Classification: Uncertain significance for Cardiomyopathy. Last evaluated: 2024-03-06. Review status: criteria provided, single submitter. Criteria: ACMG Guidelines, 2015. Collection method: clinical testing. Allele origin: germline.
Comment: This missense variant replaces valine with aspartic acid at codon 1664 of the RYR2 protein. Computational prediction suggests that this variant may have deleterious impact on protein structure and function (internally defined REVEL score threshold >= 0.7, PMID: 27666373). To our knowledge, functional studies have not been reported for this variant. This variant has not been reported in individuals affected with cardiovascular disorders in the literature. This variant has been identified in 1/249012 chromosomes in the general population by the Genome Aggregation Database (gnomAD). The available evidence is insufficient to determine the role of this variant in disease conclusively. Therefore, this variant is classified as a Variant of Uncertain Significance.

All of Us Research Program, National Institutes of Health
Classification: Uncertain significance for Catecholaminergic polymorphic ventricular tachycardia. Last evaluated: 2023-08-15. Review status: criteria provided, single submitter. Criteria: ACMG Guidelines, 2015. Collection method: clinical testing. Allele origin: germline. Inheritance: Autosomal dominant inheritance. Observed: 2 variant alleles, 2 heterozygotes.
Comment: This missense variant replaces valine with aspartic acid at codon 1664 of the RYR2 protein. Computational prediction suggests that this variant may have deleterious impact on protein structure and function (internally defined REVEL score threshold >= 0.7, PMID: 27666373). To our knowledge, functional studies have not been reported for this variant. This variant has not been reported in individuals affected with cardiovascular disorders in the literature. This variant has been identified in 1/249012 chromosomes in the general population by the Genome Aggregation Database (gnomAD). The available evidence is insufficient to determine the role of this variant in disease conclusively. Therefore, this variant is classified as a Variant of Uncertain Significance.

This study involves interpretation of variants in research participants for the purpose of population health screening. Participant phenotype was not available at the time of variant classification. Additional details can be found in publication PMID: 35346344, PMCID: PMC8962531

Labcorp Genetics (formerly Invitae), Labcorp
Classification: Uncertain significance for Catecholaminergic polymorphic ventricular tachycardia 1. Last evaluated: 2022-09-23. Review status: criteria provided, single submitter. Criteria: Invitae Variant Classification Sherloc (09022015). Collection method: clinical testing. Allele origin: germline.
Comment: This sequence change replaces valine, which is neutral and non-polar, with aspartic acid, which is acidic and polar, at codon 1664 of the RYR2 protein (p.Val1664Asp). This variant is present in population databases (no rsID available, gnomAD 0.0009%). This variant has not been reported in the literature in individuals affected with RYR2-related conditions. ClinVar contains an entry for this variant (Variation ID: 238236). Advanced modeling of protein sequence and biophysical properties (such as structural, functional, and spatial information, amino acid conservation, physicochemical variation, residue mobility, and thermodynamic stability) performed at Invitae indicates that this missense variant is expected to disrupt RYR2 protein function. In summary, the available evidence is currently insufficient to determine the role of this variant in disease. Therefore, it has been classified as a Variant of Uncertain Significance.

NM_001035.3(RYR2):c.4991T>A (p.Val1664Asp)

Gene: RYR2 (ryanodine receptor 2; plus strand). Cytogenetic location: 1q43.
Variant type: single nucleotide variant.
Coding change: c.4991T>A on transcript NM_001035.3 (MANE Select); coding-DNA position 4991, T replaced by A.
Protein change: p.Val1664Asp; replaces valine 1664 with aspartic acid.
Molecular consequence: missense variant.
Genome position (GRCh38, 1-based): chr1:237,614,119, T>A. VCF-style: chr1-237614119-T-A. GRCh37 (hg19) VCF-style: chr1-237777419-T-A.
Other names: c.4991T>A, p.Val1664Asp (LRG_402t1); short protein forms V1664D.
Identifiers: ClinVar variation 238236 (VCV000238236.13), dbSNP rs878854158, ClinGen allele CA10581775.